The following is an entry in ClinVar:

NM_000051.4(ATM):c.6525G>T (p.Arg2175Ser)

Genes: C11orf65 (chromosome 11 open reading frame 65; minus strand), ATM (ATM serine/threonine kinase; plus strand). Cytogenetic location: 11q22.3.
Variant type: single nucleotide variant.
Coding change: c.6525G>T on transcript NM_000051.4 (MANE Select); coding-DNA position 6525, G replaced by T.
Protein change: p.Arg2175Ser; replaces arginine 2175 with serine.
Molecular consequence: missense variant. On other transcripts: intron variant (2).
Genome position (GRCh38, 1-based): chr11:108,321,373, G>T. VCF-style: chr11-108321373-G-T. GRCh37 (hg19) VCF-style: chr11-108192100-G-T.
Other names: c.6525G>T, p.Arg2175Ser (NM_001351834.2); c.641-12302C>A (NM_001330368.2); c.*39-12302C>A (NM_001351110.2); short protein forms R2175S.
Identifiers: ClinVar variation 2745074 (VCV002745074.3), dbSNP rs1555117190, ClinGen allele CA382554198.

ClinVar aggregate classification (germline): Uncertain significance (1 of 4 stars; one submission).

Conditions:
Ataxia-telangiectasia syndrome (AT). Also called: LOUIS-BAR SYNDROME; Cerebello-oculocutaneous telangiectasia; Immunodeficiency with ataxia telangiectasia; Ataxia telangiectasia (A-T); Ataxia-telangiectasia, complementation group D; AT, COMPLEMENTATION GROUP C. Identifiers: Orphanet 100, MedGen C0004135, MONDO:0008840, OMIM 208900.

Submission:

Labcorp Genetics (formerly Invitae), Labcorp
Classification: Uncertain significance for Ataxia-telangiectasia syndrome. Last evaluated: 2023-07-19. Review status: criteria provided, single submitter. Criteria: Invitae Variant Classification Sherloc (09022015). Collection method: clinical testing. Allele origin: germline.
Comment: This sequence change replaces arginine, which is basic and polar, with serine, which is neutral and polar, at codon 2175 of the ATM protein (p.Arg2175Ser). This variant is not present in population databases (gnomAD no frequency). In summary, the available evidence is currently insufficient to determine the role of this variant in disease. Therefore, it has been classified as a Variant of Uncertain Significance. An algorithm developed to predict the effect of missense changes on protein structure and function (PolyPhen-2) suggests that this variant is likely to be tolerated. This variant has not been reported in the literature in individuals affected with ATM-related conditions.